The following is an entry in ClinVar:

ClinVar aggregate classification (germline): Uncertain significance. Review status: criteria provided, single submitter (1 of 4 stars). 2 submissions from 2 submitters: Uncertain significance (1). 1 of the submissions does not count toward it. Last evaluated 2024-12-02.

Conditions:
CFAP410-related disorder. Also called: CFAP410-related condition.

Allele frequency attached by ClinVar (database versions not stated): ExAC 0.00001; gnomAD exomes 0.00001; TOPMed 0.00001; gnomAD 0.00002.
gnomAD v4.1: 21 of 1,610,828 alleles (0.0013%); highest among the groups gnomAD compares: African/African-American, 0.0027%; no homozygotes.

Submissions (2):

Labcorp Genetics (formerly Invitae), Labcorp
Classification: Uncertain significance. Last evaluated: 2024-12-02. Review status: criteria provided, single submitter. Criteria: Invitae Variant Classification Sherloc (09022015). Collection method: clinical testing. Allele origin: germline.
Comment: This sequence change affects codon 177 of the CFAP410 mRNA. It is a 'silent' change, meaning that it does not change the encoded amino acid sequence of the CFAP410 protein. The frequency data for this variant in the population databases is considered unreliable, as metrics indicate poor data quality at this position in the gnomAD database. This variant has not been reported in the literature in individuals affected with CFAP410-related conditions. ClinVar contains an entry for this variant (Variation ID: 1420040). Algorithms developed to predict the effect of sequence changes on RNA splicing suggest that this variant may create or strengthen a splice site. In summary, the available evidence is currently insufficient to determine the role of this variant in disease. Therefore, it has been classified as a Variant of Uncertain Significance.

PreventionGenetics, part of Exact Sciences
Classification: Likely benign for CFAP410-related condition. Last evaluated: 2023-03-21. Review status: no assertion criteria provided. Collection method: clinical testing. Allele origin: germline. Not counted in ClinVar's aggregate classification.
Comment: This variant is classified as likely benign based on ACMG/AMP sequence variant interpretation guidelines (Richards et al. 2015 PMID: 25741868, with internal and published modifications).

NM_004928.3(CFAP410):c.531C>T (p.Ser177=)

Gene: CFAP410 (cilia and flagella associated protein 410; minus strand). Cytogenetic location: 21q22.3.
Variant type: single nucleotide variant.
Coding change: c.531C>T on transcript NM_004928.3 (MANE Select); coding-DNA position 531, C replaced by T.
Protein change: p.Ser177=; no amino-acid change (serine 177 retained).
Molecular consequence: synonymous variant.
Genome position (GRCh38, 1-based): chr21:44,331,857, G>A on the plus strand (C>T on the coding strand, the complement: CFAP410 is on the minus strand). VCF-style: chr21-44331857-G-A. GRCh37 (hg19) VCF-style: chr21-45751740-G-A.
Other names: c.531C>T, p.Ser177= (NM_001271440.2, NM_001271441.2); c.408C>T, p.Ser136= (NM_001271442.1); c.531C>T (NM_004928.2).
Identifiers: ClinVar variation 1420040 (VCV001420040.10), dbSNP rs773872732, ClinGen allele CA10053642.
Genomic context (GRCh38, chr21:44,331,857, plus strand): 5'-GGGGACAGGGATGGGCTGCGGAGTCCCCGCTGCCCTCCAGCCTCACGTTGCCTCCTCCTC[G>A]CTGTCCAGCGGGTCCCGGCCAGTCTCAGCAGCGGAGCTGAGGGAGCTCAGTGTGCAGCAT-3'
Protein context (NP_004919.1, residues 167-187): AAETGRDPLD[Ser177=]EEEATSGAQD